The following is an entry in ClinVar:

ClinVar aggregate classification (germline): Uncertain significance. Review status: criteria provided, multiple submitters, no conflicts (2 of 4 stars). 5 submissions from 5 submitters: Uncertain significance (4). 1 of the submissions does not count toward it. Last evaluated 2025-02-03.

Allele frequency attached by ClinVar (database versions not stated): gnomAD exomes 0.00005 and 0.00012; gnomAD 0.00015; ExAC 0.00016; TOPMed 0.00028; ESP Exome Variant Server 0.00031; 1000 Genomes Project 0.00040; 1000 Genomes Project 30x 0.00062.
gnomAD v4.1: 92 of 1,613,950 alleles (0.0057%); highest among the groups gnomAD compares: African/African-American, 0.083%; no homozygotes.

Submissions (5):

ARUP Laboratories, Molecular Genetics and Genomics, ARUP Laboratories
Classification: Uncertain significance. Last evaluated: 2025-02-03. Review status: criteria provided, single submitter. Criteria: ARUP Molecular Germline Variant Investigation Process 2024. Collection method: clinical testing. Allele origin: germline.
Comment: The VWF c.4024C>T; p.Arg1342Cys variant (rs61749404, ClinVar Variation ID: 100616) is reported in the literature in individuals affected with von Willebrand disease type 1 (Goodeve 2007), but has also been found in healthy controls (Bellissimo 2012, Sadler 2021). This variant is found in the general population with an overall allele frequency of 0.012% (33/282062 alleles) in the Genome Aggregation Database (v2.1.1). Computational analyses predict that this variant is deleterious (REVEL: 0.907). Due to conflicting information, the clinical significance of this variant is uncertain at this time. References: Bellissimo DB et al. VWF mutations and new sequence variations identified in healthy controls are more frequent in the African-American population. Blood. 2012 Mar 1;119(9):2135-40. PMID: 22197721. Goodeve A et al. Phenotype and genotype of a cohort of families historically diagnosed with type 1 von Willebrand disease in the European study, Molecular and Clinical Markers for the Diagnosis and Management of Type 1 von Willebrand Disease (MCMDM-1VWD). Blood. 2007 Jan 1;109(1):112-21. PMID: 16985174. Sadler B et al. von Willebrand factor antigen levels are associated with burden of rare nonsynonymous variants in the VWF gene. Blood. 2021 Jun 10;137(23):3277-3283. PMID: 33556167.

Women's Health and Genetics/Laboratory Corporation of America, LabCorp
Classification: Uncertain significance. Last evaluated: 2024-05-30. Review status: criteria provided, single submitter. Criteria: LabCorp Variant Classification Summary - May 2015. Collection method: clinical testing. Allele origin: germline.
Comment: Variant summary: VWF c.4024C>T (p.Arg1342Cys) results in a non-conservative amino acid change in the encoded protein sequence. Five of five in-silico tools predict a damaging effect of the variant on protein function. The variant allele was found at a frequency of 0.00012 in 250684 control chromosomes (gnomAD). This frequency is not significantly higher than estimated for a pathogenic variant in VWF causing Von Willebrand Disease, allowing no conclusion about variant significance. c.4024C>T has been reported in the literature in individuals affected with Von Willebrand Disease without strong evidence of causality (e.g. Kakela_2006, Goodeve_2007). These reports do not provide unequivocal conclusions about association of the variant with Von Willebrand Disease. To our knowledge, no experimental evidence demonstrating an impact on protein function has been reported. The following publications have been ascertained in the context of this evaluation (PMID: 16985174, 16321553, 19298374). ClinVar contains an entry for this variant (Variation ID: 100616). Based on the evidence outlined above, the variant was classified as uncertain significance.

Quest Diagnostics Nichols Institute San Juan Capistrano
Classification: Uncertain significance. Last evaluated: 2024-03-28. Review status: criteria provided, single submitter. Criteria: Quest Diagnostics criteria. Collection method: clinical testing. Allele origin: unknown.
Comment: The VWF c.4024C>T (p.Arg1342Cys) variant (also known as R1342C) has been reported in the published literature in individuals/families with Type 1 (PMID: 19453940 (2010)) or Type 2 von Willebrand disease (vWD) (PMIDs: 27443694 (2016), 19506361 (2009), 19298374 (2009), 18315556 (2008), 16985174 (2007), and 16321553 (2006)). In addition, this variant has been reported in healthy control individuals (PMIDs: 33556167 (2021) and 22197721 (2012)). The frequency of this variant in the general population, 0.0008 (20/24896 chromosomes (Genome Aggregation Database)), is uninformative in the assessment of its pathogenicity. Analysis of this variant using bioinformatics tools (i.e., MutationTaster and PolyPhen-2) for the prediction of the effect of amino acid changes on protein structure and function yielded predictions that this variant is damaging. Please note that these prediction tools are not fully validated, and therefore, should be viewed with caution. Based on the available information, we are unable to determine the clinical significance of this variant.

Blueprint Genetics
Classification: Uncertain significance. Last evaluated: 2023-09-14. Review status: criteria provided, single submitter. Criteria: ACMG Guidelines, 2015. Collection method: clinical testing. Allele origin: germline.

Academic Unit of Haematology, University of Sheffield
No classification provided. Review status: no classification provided. Collection method: not provided. Allele origin: not provided. Not counted in ClinVar's aggregate classification.

Literature cited by the submitters: PubMed 16985174 (cited by Women's Health and Genetics/Laboratory Corporation of America, LabCorp and Quest Diagnostics Nichols Institute San Juan Capistrano); PubMed 16321553 (cited by Women's Health and Genetics/Laboratory Corporation of America, LabCorp and Quest Diagnostics Nichols Institute San Juan Capistrano); PubMed 19298374 (cited by Women's Health and Genetics/Laboratory Corporation of America, LabCorp and Quest Diagnostics Nichols Institute San Juan Capistrano); PubMed 31968368 (cited by Quest Diagnostics Nichols Institute San Juan Capistrano); PubMed 32108991 (cited by Quest Diagnostics Nichols Institute San Juan Capistrano); PubMed 37647632 (cited by Quest Diagnostics Nichols Institute San Juan Capistrano); PubMed 33556167 (cited by Quest Diagnostics Nichols Institute San Juan Capistrano); PubMed 22197721 (cited by Quest Diagnostics Nichols Institute San Juan Capistrano); PubMed 19453940 (cited by Quest Diagnostics Nichols Institute San Juan Capistrano); PubMed 19506361 (cited by Quest Diagnostics Nichols Institute San Juan Capistrano); PubMed 18315556 (cited by Quest Diagnostics Nichols Institute San Juan Capistrano); PubMed 23216583 (cited by Quest Diagnostics Nichols Institute San Juan Capistrano); PubMed 27443694 (cited by Quest Diagnostics Nichols Institute San Juan Capistrano).

NM_000552.5(VWF):c.4024C>T (p.Arg1342Cys)

Gene: VWF (von Willebrand factor; minus strand). Cytogenetic location: 12p13.31.
Variant type: single nucleotide variant.
Coding change: c.4024C>T on transcript NM_000552.5 (MANE Select); coding-DNA position 4024, C replaced by T.
Protein change: p.Arg1342Cys; replaces arginine 1342 with cysteine.
Molecular consequence: missense variant.
Genome position (GRCh38, 1-based): chr12:6,019,394, G>A on the plus strand (C>T on the coding strand, the complement: VWF is on the minus strand). VCF-style: chr12-6019394-G-A. GRCh37 (hg19) VCF-style: chr12-6128560-G-A.
Other names: c.4024C>T (NM_000552.4); short protein forms R1342C.
Identifiers: ClinVar variation 100616 (VCV000100616.9), dbSNP rs61749404, ClinGen allele CA228959.